The following is an entry in ClinVar:

NM_001261826.3(AP3D1):c.3220G>A (p.Val1074Ile)

Gene: AP3D1 (adaptor related protein complex 3 subunit delta 1; minus strand). Cytogenetic location: 19p13.3.
Variant type: single nucleotide variant.
Coding change: c.3220G>A on transcript NM_001261826.3 (MANE Select); coding-DNA position 3220, G replaced by A.
Protein change: p.Val1074Ile; replaces valine 1074 with isoleucine.
Molecular consequence: missense variant.
Genome position (GRCh38, 1-based): chr19:2,110,180, C>T on the plus strand (G>A on the coding strand, the complement: AP3D1 is on the minus strand). VCF-style: chr19-2110180-C-T. GRCh37 (hg19) VCF-style: chr19-2110179-C-T.
Other names: c.3184G>A, p.Val1062Ile (NM_001374799.1); c.3034G>A, p.Val1012Ile (NM_003938.8); short protein forms V1062I, V1012I, V1074I.
Identifiers: ClinVar variation 1400891 (VCV001400891.8), dbSNP rs777489261, ClinGen allele CA9058505.

ClinVar aggregate classification (germline): Uncertain significance (1 of 4 stars; one submission).

Allele frequency attached by ClinVar (database versions not stated): gnomAD exomes 0.00001 and 0.00002; TOPMed 0.00001; ExAC 0.00002.

Submission:

Labcorp Genetics (formerly Invitae), Labcorp
Classification: Uncertain significance. Last evaluated: 2022-10-24. Review status: criteria provided, single submitter. Criteria: Invitae Variant Classification Sherloc (09022015). Collection method: clinical testing. Allele origin: germline.
Comment: This sequence change replaces valine, which is neutral and non-polar, with isoleucine, which is neutral and non-polar, at codon 1074 of the AP3D1 protein (p.Val1074Ile). This variant is present in population databases (rs777489261, gnomAD 0.01%). This variant has not been reported in the literature in individuals affected with AP3D1-related conditions. ClinVar contains an entry for this variant (Variation ID: 1400891). Algorithms developed to predict the effect of missense changes on protein structure and function output the following: SIFT: "Tolerated"; PolyPhen-2: "Benign"; Align-GVGD: "Class C0". The isoleucine amino acid residue is found in multiple mammalian species, which suggests that this missense change does not adversely affect protein function. In summary, the available evidence is currently insufficient to determine the role of this variant in disease. Therefore, it has been classified as a Variant of Uncertain Significance.